The following is an entry in ClinVar:

NM_024818.6(UBA5):c.939G>A (p.Glu313=)

Genes: NPHP3-ACAD11 (NPHP3-ACAD11 readthrough (NMD candidate); minus strand), UBA5 (ubiquitin like modifier activating enzyme 5; plus strand). Cytogenetic location: 3q22.1.
Variant type: single nucleotide variant.
Coding change: c.939G>A on transcript NM_024818.6 (MANE Select); coding-DNA position 939, G replaced by A.
Protein change: p.Glu313=; no amino-acid change (glutamic acid 313 retained).
Molecular consequence: synonymous variant.
Genome position (GRCh38, 1-based): chr3:132,675,374, G>A. VCF-style: chr3-132675374-G-A. GRCh37 (hg19) VCF-style: chr3-132394218-G-A.
Other names: p.Glu313=; c.771G>A, p.Glu257= (NM_001320210.2, NM_198329.4); c.669G>A, p.Glu223= (NM_001321238.2); c.603G>A, p.Glu201= (NM_001321239.1); c.939G>A (NM_024818.4).
Identifiers: ClinVar variation 714206 (VCV000714206.39), dbSNP rs111904472, ClinGen allele CA2621483.
Genomic context (GRCh38, chr3:132,675,374, plus strand): 5'-TACTATGTCCATGAAGCCAAATCCTCAGTGTGATGACAGAAATTGCAGGAAGCAGCAGGA[G>A]GAATATAAGGTATATGACAATCTGTTAGAATGCATGAGGGATCATATTGAATAGGACAAT-3'
Protein context (NP_079094.1, residues 303-323): CDDRNCRKQQ[Glu313=]EYKKKVAALP

ClinVar aggregate classification (germline): Benign/Likely benign. Review status: criteria provided, multiple submitters, no conflicts (2 of 4 stars). 4 submissions from 4 submitters: Benign (1); Likely benign (3). Last evaluated 2026-02-01.

Allele frequency attached by ClinVar (database versions not stated): gnomAD exomes 0.00032; ExAC 0.00040; ESP Exome Variant Server 0.00108; gnomAD 0.00120 and 0.00121; TOPMed 0.00150; 1000 Genomes Project 30x 0.00250; 1000 Genomes Project 0.00300.
gnomAD v4.1: 483 of 1,613,394 alleles (0.03%); highest among the groups gnomAD compares: African/African-American, 0.47%; 4 homozygotes.

Submissions (4):

CeGaT Center for Human Genetics Tuebingen
Classification: Likely benign. Last evaluated: 2026-02-01. Review status: criteria provided, single submitter. Criteria: CeGaT Center For Human Genetics Tuebingen Variant Classification Criteria Version 2. Collection method: clinical testing. Allele origin: germline. Affected: yes. Observed: 5 variant alleles.
Comment: UBA5: BP4, BP7

Labcorp Genetics (formerly Invitae), Labcorp
Classification: Benign. Last evaluated: 2026-01-28. Review status: criteria provided, single submitter. Criteria: Invitae Variant Classification Sherloc (09022015). Collection method: clinical testing. Allele origin: germline.

Mayo Clinic Laboratories, Mayo Clinic
Classification: Likely benign. Last evaluated: 2025-03-26. Review status: criteria provided, single submitter. Criteria: ACMG Guidelines, 2015. Collection method: clinical testing. Allele origin: germline. Observed: 1 variant allele.
Comment: BS1, BP4, BP7

Blueprint Genetics
Classification: Likely benign. Last evaluated: 2024-10-02. Review status: criteria provided, single submitter. Criteria: ACMG Guidelines, 2015. Collection method: clinical testing. Allele origin: germline.